The following is an entry in ClinVar:

NM_001482.3(GATM):c.736A>G (p.Thr246Ala)

Gene: GATM (glycine amidinotransferase; minus strand). Cytogenetic location: 15q21.1.
Variant type: single nucleotide variant.
Coding change: c.736A>G on transcript NM_001482.3 (MANE Select); coding-DNA position 736, A replaced by G.
Protein change: p.Thr246Ala; replaces threonine 246 with alanine.
Molecular consequence: missense variant.
Genome position (GRCh38, 1-based): chr15:45,366,448, T>C on the plus strand (A>G on the coding strand, the complement: GATM is on the minus strand). VCF-style: chr15-45366448-T-C. GRCh37 (hg19) VCF-style: chr15-45658646-T-C.
Other names: c.349A>G, p.Thr117Ala (NM_001321015.2); short protein forms T246A, T117A.
Identifiers: ClinVar variation 1758546 (VCV001758546.2), dbSNP rs2541989116, ClinGen allele CA392259048.

ClinVar aggregate classification (germline): Uncertain significance (1 of 4 stars; one submission).

Conditions:
Inborn genetic diseases. Identifiers: MedGen C0950123, MeSH D030342.

Submission:

Ambry Genetics
Classification: Uncertain significance for Inborn genetic diseases. Last evaluated: 2019-10-22. Review status: criteria provided, single submitter. Criteria: Ambry Variant Classification Scheme 2023. Collection method: clinical testing. Allele origin: germline.
Comment: The p.T246A variant (also known as c.736A>G), located in coding exon 5 of the GATM gene, results from an A to G substitution at nucleotide position 736. The threonine at codon 246 is replaced by alanine, an amino acid with similar properties. This amino acid position is highly conserved in available vertebrate species. In addition, the in silico prediction for this alteration is inconclusive. Since supporting evidence is limited at this time, the clinical significance of this alteration remains unclear.